The following is an entry in ClinVar:

NM_000059.4(BRCA2):c.4125_4138del (p.Glu1375fs)

Gene: BRCA2 (BRCA2 DNA repair associated; plus strand). Cytogenetic location: 13q13.1.
Variant type: Deletion.
Coding change: c.4125_4138del on transcript NM_000059.4 (MANE Select); coding-DNA positions 4125 to 4138, 14 bases deleted (GGGAAACACTCAGA).
Protein change: p.Glu1375fs; shifts the reading frame from glutamic acid 1375.
Molecular consequence: frameshift variant. On other transcripts: non-coding transcript variant (1), intron variant (2).
Genome position (GRCh38, 1-based): chr13:32,338,480-32,338,493, GGGAAACACTCAGA deleted; deleting any 14 consecutive bases within chr13:32,338,478-32,338,493 gives the same sequence; the c. name uses the placement nearest the transcript's 3' end. VCF-style (leftmost placement, unchanged base first): chr13-32338477-GGAGGGAAACACTCA-G. GRCh37 (hg19) VCF-style: chr13-32912614-GGAGGGAAACACTCA-G.
Other names: c.4125_4138del, p.Glu1375fs (NM_001406719.1, NM_001406720.1); c.1909+5093_1909+5106del (NM_001406721.1); c.425-6078_425-6065del (NM_001406722.1); short protein forms E1375fs.
Identifiers: ClinVar variation 3062039 (VCV003062039.2), dbSNP rs2548527682, ClinGen allele CA2740097654.

ClinVar aggregate classification (germline): Pathogenic. Review status: criteria provided, single submitter (1 of 4 stars). 2 submissions from 1 submitter: Pathogenic (2). Last evaluated 2020-10-22.

Conditions:
Fanconi anemia complementation group D1. Also called: BRCA2-Related Fanconi Anemia. Identifiers: Orphanet 319462, MedGen C1838457, MONDO:0011584, OMIM 605724.
Breast-ovarian cancer, familial, susceptibility to, 2 (BROVCA2). Also called: BRCA2 Hereditary Breast and Ovarian Cancer. Identifiers: Orphanet 145, MedGen C2675520, MONDO:0012933, OMIM 612555. Disease mechanism: loss of function.

Submissions (2):

Illumina Laboratory Services, Illumina
Classification: Pathogenic for Breast-ovarian cancer, familial, susceptibility to, 2. Last evaluated: 2020-10-22. Review status: criteria provided, single submitter. Criteria: ICSLVariantClassificationCriteria RUGD 01 April 2020. Collection method: clinical testing. Allele origin: unknown.
Comment: The BRCA2 c.4125_4138delGGGAAACACTCAGA p.(Glu1375AspfsTer2) variant causes a shift in the protein reading frame that is predicted to result in premature termination of the protein. Loss of normal protein function through either protein truncation or nonsense-mediated mRNA decay is expected. To our knowledge, this variant has not been reported in the peer-reviewed literature. This variant is not observed in version 2.1.1 of the Genome Aggregation Database. Based on the available evidence, the c.4125_4138delGGGAAACACTCAGA p.(Glu1375AspfsTer2) variant is classified as pathogenic for hereditary breast and ovarian cancer.

Illumina Laboratory Services, Illumina
Classification: Pathogenic for Fanconi anemia complementation group D1. Last evaluated: 2020-10-21. Review status: criteria provided, single submitter. Criteria: ICSLVariantClassificationCriteria RUGD 01 April 2020. Collection method: clinical testing. Allele origin: unknown.
Comment: The BRCA2 c.4125_4138delGGGAAACACTCAGA p.(Glu1375AspfsTer2) variant causes a shift in the protein reading frame that is predicted to result in premature termination of the protein. Loss of normal protein function through either protein truncation or nonsense-mediated mRNA decay is expected. To our knowledge, this variant has not been reported in the peer-reviewed literature. This variant is not observed in version 2.1.1 of the Genome Aggregation Database. Based on the available evidence the c.4125_4138delGGGAAACACTCAGA p.(Glu1375AspfsTer2) variant is classified as pathogenic for Fanconi anemia.